The following is an entry in ClinVar:

ClinVar aggregate classification (germline): Uncertain significance. Review status: criteria provided, multiple submitters, no conflicts (2 of 4 stars). 2 submissions from 2 submitters: Uncertain significance (2). Last evaluated 2025-09-29.

Conditions:
Malignant hyperthermia, susceptibility to, 5 (MHS5). Also called: CACNA1S-Related Malignant Hyperthermia Susceptibility. Identifiers: Orphanet 423, MedGen C1866077, MONDO:0011163, OMIM 601887.

Submissions (2):

Color Diagnostics, LLC DBA Color Health
Classification: Uncertain significance for Malignant hyperthermia, susceptibility to, 5. Last evaluated: 2025-09-29. Review status: criteria provided, single submitter. Criteria: ACMG Guidelines, 2015. Collection method: clinical testing. Allele origin: germline.
Comment: This missense variant replaces proline with serine at codon 39 of the CACNA1S protein. Computational prediction is inconclusive regarding the impact of this variant on protein structure and function. To our knowledge, functional studies have not been reported for this variant. This variant has not been reported in individuals affected with CACNA1S-related disorders in the literature. This variant has not been identified in the general population by the Genome Aggregation Database (gnomAD). The available evidence is insufficient to determine the role of this variant in disease conclusively. Therefore, this variant is classified as a Variant of Uncertain Significance.

All of Us Research Program, National Institutes of Health
Classification: Uncertain significance for Malignant hyperthermia, susceptibility to, 5. Last evaluated: 2023-07-10. Review status: criteria provided, single submitter. Criteria: ACMG Guidelines, 2015. Collection method: clinical testing. Allele origin: germline. Inheritance: Autosomal dominant inheritance. Observed: 1 variant allele, 1 heterozygote.
Comment: This missense variant replaces proline with serine at codon 39 of the CACNA1S protein. Computational prediction is inconclusive regarding the impact of this variant on protein structure and function (internally defined REVEL score threshold 0.5 < inconclusive < 0.7, PMID: 27666373). To our knowledge, functional studies have not been reported for this variant. This variant has not been reported in individuals affected with CACNA1S-related disorders in the literature. This variant has not been identified in the general population by the Genome Aggregation Database (gnomAD). The available evidence is insufficient to determine the role of this variant in disease conclusively. Therefore, this variant is classified as a Variant of Uncertain Significance.

This study involves interpretation of variants in research participants for the purpose of population health screening. Participant phenotype was not available at the time of variant classification. Additional details can be found in publication PMID: 35346344, PMCID: PMC8962531

NM_000069.3(CACNA1S):c.115C>T (p.Pro39Ser)

Gene: CACNA1S (calcium voltage-gated channel subunit alpha1 S; minus strand). Cytogenetic location: 1q32.1.
Variant type: single nucleotide variant.
Coding change: c.115C>T on transcript NM_000069.3 (MANE Select); coding-DNA position 115, C replaced by T.
Protein change: p.Pro39Ser; replaces proline 39 with serine.
Molecular consequence: missense variant.
Genome position (GRCh38, 1-based): chr1:201,112,225, G>A on the plus strand (C>T on the coding strand, the complement: CACNA1S is on the minus strand). VCF-style: chr1-201112225-G-A. GRCh37 (hg19) VCF-style: chr1-201081353-G-A.
Other names: short protein forms P39S.
Identifiers: ClinVar variation 3072327 (VCV003072327.2), dbSNP rs749891107, ClinGen allele CA344157857.